The following is an entry in ClinVar:

NM_007317.3(KIF22):c.1854C>G (p.Ile618Met)

Gene: KIF22 (kinesin family member 22; plus strand). Cytogenetic location: 16p11.2.
Variant type: single nucleotide variant.
Coding change: c.1854C>G on transcript NM_007317.3 (MANE Select); coding-DNA position 1854, C replaced by G.
Protein change: p.Ile618Met; replaces isoleucine 618 with methionine.
Molecular consequence: missense variant.
Genome position (GRCh38, 1-based): chr16:29,804,990, C>G. VCF-style: chr16-29804990-C-G. GRCh37 (hg19) VCF-style: chr16-29816311-C-G.
Other names: c.1650C>G, p.Ile550Met (NM_001256269.2, NM_001256270.1); short protein forms I550M, I618M.
Identifiers: ClinVar variation 4774977 (VCV004774977.1).
Genomic context (GRCh38, chr16:29,804,990, plus strand): 5'-AGGCTCAGCCCGAGATCTCCGCAGTCTTCAGCGCATTGGCCCGAAGAAGGCCCAGCTAAT[C>G]GTGGGCTGGCGGGAGCTCCACGGCCCCTTCAGCCAGGTAGCAGCCCACTGGACTGGGGGA-3'
Protein context (NP_015556.1, residues 608-628): QRIGPKKAQL[Ile618Met]VGWRELHGPF

ClinVar aggregate classification (germline): Uncertain significance (1 of 4 stars; one submission).

Submission:

Labcorp Genetics (formerly Invitae), Labcorp
Classification: Uncertain significance. Last evaluated: 2025-12-03. Review status: criteria provided, single submitter. Criteria: Invitae Variant Classification Sherloc (09022015). Collection method: clinical testing. Allele origin: germline.
Comment: This sequence change replaces isoleucine, which is neutral and non-polar, with methionine, which is neutral and non-polar, at codon 618 of the KIF22 protein (p.Ile618Met). This variant is not present in population databases (gnomAD no frequency). This variant has not been reported in the literature in individuals affected with KIF22-related conditions. An algorithm developed to predict the effect of missense changes on protein structure and function (PolyPhen-2) suggests that this variant is likely to be disruptive. In summary, the available evidence is currently insufficient to determine the role of this variant in disease. Therefore, it has been classified as a Variant of Uncertain Significance.